The following is an entry in ClinVar:

NM_000138.5(FBN1):c.3794G>C (p.Cys1265Ser)

Gene: FBN1 (fibrillin 1; minus strand). Cytogenetic location: 15q21.1.
Variant type: single nucleotide variant.
Coding change: c.3794G>C on transcript NM_000138.5 (MANE Select); coding-DNA position 3794, G replaced by C.
Protein change: p.Cys1265Ser; replaces cysteine 1265 with serine.
Molecular consequence: missense variant.
Genome position (GRCh38, 1-based): chr15:48,483,862, C>G on the plus strand (G>C on the coding strand, the complement: FBN1 is on the minus strand). VCF-style: chr15-48483862-C-G. GRCh37 (hg19) VCF-style: chr15-48776059-C-G.
Other names: short protein forms C1265S.
Identifiers: ClinVar variation 457199 (VCV000457199.10), dbSNP rs1555398279, ClinGen allele CA392323789.

ClinVar aggregate classification (germline): Likely pathogenic. Review status: criteria provided, multiple submitters, no conflicts (2 of 4 stars). 2 submissions from 2 submitters: Likely pathogenic (2). Last evaluated 2018-03-09.

Conditions:
Marfan syndrome (MFS). Also called: MARFAN SYNDROME, TYPE I; FBN1-Related Marfan Syndrome; Marfan syndrome type 1; Marfan's syndrome; Marfan syndrome, classic. Identifiers: Orphanet 284963, Orphanet 558, MedGen C0024796, MONDO:0007947, OMIM 154700.
Familial thoracic aortic aneurysm and aortic dissection (TAAD). Also called: Thoracic aortic aneurysms and dissections. Identifiers: Orphanet 91387, MedGen C4707243, MONDO:0019625.
FBN1-related disorder. Also called: FBN1-related disorders.

Submissions (2):

Blueprint Genetics
Classification: Likely pathogenic for FBN1-related disorders. Last evaluated: 2018-03-09. Review status: criteria provided, single submitter. Criteria: ACMG Guidelines, 2015. Collection method: clinical testing. Allele origin: germline. Affected: yes. Observed: 1 variant allele.

Labcorp Genetics (formerly Invitae), Labcorp
Classification: Likely pathogenic for Marfan syndrome; Familial thoracic aortic aneurysm and aortic dissection. Last evaluated: 2017-07-03. Review status: criteria provided, single submitter. Criteria: Invitae Variant Classification Sherloc (09022015). Collection method: clinical testing. Allele origin: germline.
Comment: This variant has been reported in an individual affected with possible Marfan syndrome (PMID: 25652356). In summary, this variant is a novel missense change affecting a residue crucial for protein stability and function. Although additional genetic data will be necessary to further confirm pathogenicity for this variant, cysteine substitutions located in FBN1 EGF-like domains are likely deleterious. For these reasons, this variant has been classified as Likely Pathogenic. This variant affects a cysteine residue located within an epidermal-growth-factor (EGF)–like domain of the FBN1 protein. Cysteine residues in these domains have been shown to be involved in the formation of disulfide bridges, which are critical for FBN1 protein structure and stability (PMID: 10486319, 3495735, 4750422, 16677079). In addition, missense substitutions within the FBN1 EGF-like domains affecting cysteine residues are significantly overrepresented among patients with Marfan syndrome (PMID: 16571647, 17701892). This variant is not present in population databases (ExAC no frequency). This sequence change replaces cysteine with serine at codon 1265 of the FBN1 protein (p.Cys1265Ser). The cysteine residue is highly conserved and there is a moderate physicochemical difference between cysteine and serine.

Literature cited by the submitters: PubMed 25652356 (cited by Labcorp Genetics (formerly Invitae), Labcorp); PubMed 10486319 (cited by Labcorp Genetics (formerly Invitae), Labcorp); PubMed 3495735 (cited by Labcorp Genetics (formerly Invitae), Labcorp); PubMed 4750422 (cited by Labcorp Genetics (formerly Invitae), Labcorp); PubMed 16677079 (cited by Labcorp Genetics (formerly Invitae), Labcorp); PubMed 16571647 (cited by Labcorp Genetics (formerly Invitae), Labcorp); PubMed 17701892 (cited by Labcorp Genetics (formerly Invitae), Labcorp).